The following is an entry in ClinVar:

ClinVar aggregate classification (germline): Uncertain significance (1 of 4 stars; one submission).

Conditions:
Left ventricular noncompaction 8 (LVNC8). Identifiers: Orphanet 154, Orphanet 54260, MedGen C3809288, MONDO:0014152, OMIM 615373.

Submission:

Labcorp Genetics (formerly Invitae), Labcorp
Classification: Uncertain significance for Left ventricular noncompaction 8. Last evaluated: 2025-05-14. Review status: criteria provided, single submitter. Criteria: Invitae Variant Classification Sherloc (09022015). Collection method: clinical testing. Allele origin: germline.
Comment: This sequence change creates a premature translational stop signal (p.Cys419Glnfs*180) in the PRDM16 gene. It is expected to result in an absent or disrupted protein product. However, the current clinical and genetic evidence is not sufficient to establish whether loss-of-function variants in PRDM16 cause disease. This variant is not present in population databases (gnomAD no frequency). This variant has not been reported in the literature in individuals affected with PRDM16-related conditions. In summary, the available evidence is currently insufficient to determine the role of this variant in disease. Therefore, it has been classified as a Variant of Uncertain Significance.

NM_022114.4(PRDM16):c.1251_1264del (p.Cys419fs)

Gene: PRDM16 (PR/SET domain 16; plus strand). Cytogenetic location: 1p36.32.
Variant type: Deletion.
Coding change: c.1251_1264del on transcript NM_022114.4 (MANE Select); coding-DNA positions 1251 to 1264, 14 bases deleted (CGACTGCCGCACGC).
Protein change: p.Cys419fs; shifts the reading frame from cysteine 419.
Molecular consequence: frameshift variant.
Genome position (GRCh38, 1-based): chr1:3,411,448-3,411,461, CGACTGCCGCACGC deleted; deleting any 14 consecutive bases within chr1:3,411,442-3,411,461 gives the same sequence; the c. name uses the placement nearest the transcript's 3' end. VCF-style (leftmost placement, unchanged base first): chr1-3411441-TGCACGCCGACTGCC-T. GRCh37 (hg19) VCF-style: chr1-3328005-TGCACGCCGACTGCC-T.
Other names: c.1251_1264del, p.Cys419fs (NM_199454.3); short protein forms C419fs.
Identifiers: ClinVar variation 4810741 (VCV004810741.1).